The following is an entry in ClinVar:

ClinVar aggregate classification (germline): Uncertain significance (1 of 4 stars; one submission).

Conditions:
Neuropathy, hereditary sensory and autonomic, type 2A (HSAN2A). Also called: ACROOSTEOLYSIS, GIACCAI TYPE; ACROOSTEOLYSIS, NEUROGENIC; WNK1-Related HSAN2 (HSAN2A); MORVAN DISEASE; NEUROPATHY, CONGENITAL SENSORY; NEUROPATHY, HEREDITARY SENSORY RADICULAR, AUTOSOMAL RECESSIVE. Identifiers: Orphanet 970, MedGen C2752089, MONDO:0024309, OMIM 201300.
Generalized epilepsy with febrile seizures plus, type 7 (GEFSP7). Also called: GEFS+, TYPE 7. Identifiers: Orphanet 36387, MedGen C2751778, MONDO:0013470, OMIM 613863.

Submission:

Labcorp Genetics (formerly Invitae), Labcorp
Classification: Uncertain significance for Neuropathy, hereditary sensory and autonomic, type 2A; Generalized epilepsy with febrile seizures plus, type 7. Last evaluated: 2024-08-11. Review status: criteria provided, single submitter. Criteria: Invitae Variant Classification Sherloc (09022015). Collection method: clinical testing. Allele origin: germline.
Comment: This sequence change replaces aspartic acid, which is acidic and polar, with glycine, which is neutral and non-polar, at codon 1666 of the SCN9A protein (p.Asp1666Gly). This variant is not present in population databases (gnomAD no frequency). This variant has not been reported in the literature in individuals affected with SCN9A-related conditions. Advanced modeling of protein sequence and biophysical properties (such as structural, functional, and spatial information, amino acid conservation, physicochemical variation, residue mobility, and thermodynamic stability) has been performed at Invitae for this missense variant, however the output from this modeling did not meet the statistical confidence thresholds required to predict the impact of this variant on SCN9A protein function. In summary, the available evidence is currently insufficient to determine the role of this variant in disease. Therefore, it has been classified as a Variant of Uncertain Significance.

NM_001365536.1(SCN9A):c.5030A>G (p.Asp1677Gly)

Genes: SCN1A-AS1 (SCN1A and SCN9A antisense RNA 1; plus strand), SCN9A (sodium voltage-gated channel alpha subunit 9; minus strand). Cytogenetic location: 2q24.3.
Variant type: single nucleotide variant.
Coding change: c.5030A>G on transcript NM_001365536.1 (MANE Select); coding-DNA position 5030, A replaced by G.
Protein change: p.Asp1677Gly; replaces aspartic acid 1677 with glycine.
Molecular consequence: missense variant.
Genome position (GRCh38, 1-based): chr2:166,199,609, T>C on the plus strand (A>G on the coding strand, the complement: SCN9A is on the minus strand). VCF-style: chr2-166199609-T-C. GRCh37 (hg19) VCF-style: chr2-167056119-T-C.
Other names: c.4997A>G, p.Asp1666Gly (NM_002977.4); short protein forms D1666G, D1677G.
Identifiers: ClinVar variation 3754288 (VCV003754288.2).